The following is an entry in ClinVar:

NM_001079802.2(FKTN):c.*818C>T

Gene: FKTN (fukutin; plus strand). Cytogenetic location: 9q31.2.
Variant type: single nucleotide variant.
Coding change: c.*818C>T on transcript NM_001079802.2 (MANE Select); 818 bases downstream of the stop codon, C replaced by T.
Molecular consequence: 3 prime UTR variant. On other transcripts: non-coding transcript variant (2), intron variant (1).
Genome position (GRCh38, 1-based): chr9:105,636,082, C>T. VCF-style: chr9-105636082-C-T. GRCh37 (hg19) VCF-style: chr9-108398363-C-T.
Other names: c.*818C>T (NM_001351502.2, NM_006731.2, NM_001351496.2 and 4 more transcripts); c.1270+934C>T (NM_001198963.2); c.*996C>T (NM_001351498.2).
Identifiers: ClinVar variation 364494 (VCV000364494.6), dbSNP rs79162268, ClinGen allele CA10632144.

ClinVar aggregate classification (germline): Conflicting classifications of pathogenicity. Review status: criteria provided, conflicting classifications (1 of 4 stars). 3 submissions from 2 submitters: Uncertain significance (1); Likely benign (2). Last evaluated 2021-05-12.

Conditions:
Muscular dystrophy-dystroglycanopathy (congenital with brain and eye anomalies), type A, 4 (MDDGA4). Also called: WALKER-WARBURG SYNDROME OR MUSCLE-EYE-BRAIN DISEASE, FKTN-RELATED; Walker-Warburg Syndrome, Fktn-Related; Congenital muscular dystrophy-dystroglycanopathy with brain and eye anomalies, type A4; Muscular dystrophy, congenital progressive, with mental retardation; Muscular dystrophy, congenital, with central nervous system involvement; Cerebromuscular dystrophy, Fukuyama type. Identifiers: Orphanet 272, Orphanet 588, Orphanet 899, MedGen C0410174, MONDO:0009678, OMIM 253800.
Dilated cardiomyopathy 1X (CMD1X). Also called: FKTN-Related Dilated Cardiomyopathy; CARDIOMYOPATHY, DILATED, WITH MILD OR NO PROXIMAL MUSCLE WEAKNESS. Identifiers: Orphanet 154, MedGen C1969024, MONDO:0012704, OMIM 611615.

Allele frequency attached by ClinVar (database versions not stated): gnomAD exomes 0.00091; 1000 Genomes Project 0.01038; gnomAD 0.01074 and 0.01167; 1000 Genomes Project 30x 0.01156; TOPMed 0.01208.
gnomAD v4.1: 2,411 of 983,674 alleles (0.25%); highest among the groups gnomAD compares: African/African-American, 3.9%; 52 homozygotes.

Submissions (3):

GeneDx
Classification: Likely benign. Last evaluated: 2021-05-12. Review status: criteria provided, single submitter. Criteria: GeneDx Variant Classification Process June 2021. Collection method: clinical testing. Allele origin: germline. Affected: yes.

Illumina Laboratory Services, Illumina
Classification: Uncertain significance for Dilated cardiomyopathy 1X. Last evaluated: 2018-01-12. Review status: criteria provided, single submitter. Criteria: ICSL Variant Classification Criteria 13 December 2019. Collection method: clinical testing. Allele origin: germline.

Illumina Laboratory Services, Illumina
Classification: Likely benign for Muscular dystrophy-dystroglycanopathy (congenital with brain and eye anomalies), type A, 4. Last evaluated: 2018-01-12. Review status: criteria provided, single submitter. Criteria: ICSL Variant Classification Criteria 13 December 2019. Collection method: clinical testing. Allele origin: germline.
Comment: This variant was observed in the ICSL laboratory as part of a predisposition screen in an ostensibly healthy population. It had not been previously curated by ICSL or reported in the Human Gene Mutation Database (HGMD: prior to June 1st, 2018), and was therefore a candidate for classification through an automated scoring system. Utilizing variant allele frequency, disease prevalence and penetrance estimates, and inheritance mode, an automated score was calculated to assess if this variant is too frequent to cause the disease. Based on the score and internal cut-off values, a variant classified as likely benign is not then subjected to further curation. The score for this variant resulted in a classification of likely benign for this disease.